The following is an entry in ClinVar:

NM_004360.5(CDH1):c.1064T>G (p.Leu355Ter)

Gene: CDH1 (cadherin 1; plus strand). Cytogenetic location: 16q22.1.
Variant type: single nucleotide variant.
Coding change: c.1064T>G on transcript NM_004360.5 (MANE Select); coding-DNA position 1064, T replaced by G.
Protein change: p.Leu355Ter; replaces leucine 355 with a stop codon.
Molecular consequence: nonsense. On other transcripts: 5 prime UTR variant (2).
Genome position (GRCh38, 1-based): chr16:68,812,190, T>G. VCF-style: chr16-68812190-T-G. GRCh37 (hg19) VCF-style: chr16-68846093-T-G.
Other names: c.1064T>G, p.Leu355Ter (NM_001317184.2); c.-552T>G (NM_001317185.2); c.-756T>G (NM_001317186.2); short protein forms L355*.
Identifiers: ClinVar variation 4721423 (VCV004721423.1).

ClinVar aggregate classification (germline): Pathogenic (1 of 4 stars; one submission).

Conditions:
Hereditary diffuse gastric adenocarcinoma (HDGC). Also called: DIFFUSE GASTRIC AND LOBULAR BREAST CANCER SYNDROME. Identifiers: Orphanet 26106, MedGen C1708349, MONDO:0007648, OMIM 137215.

Submission:

Labcorp Genetics (formerly Invitae), Labcorp
Classification: Pathogenic for Hereditary diffuse gastric adenocarcinoma. Last evaluated: 2025-06-15. Review status: criteria provided, single submitter. Criteria: Invitae Variant Classification Sherloc (09022015). Collection method: clinical testing. Allele origin: germline.
Comment: This sequence change creates a premature translational stop signal (p.Leu355*) in the CDH1 gene. It is expected to result in an absent or disrupted protein product. Loss-of-function variants in CDH1 are known to be pathogenic (PMID: 15235021, 20373070). This variant is not present in population databases (gnomAD no frequency). This premature translational stop signal has been observed in individual(s) with diffuse gastric cancer (PMID: 16061854). For these reasons, this variant has been classified as Pathogenic.

Literature cited by the submitters: PubMed 15235021; PubMed 20373070; PubMed 16061854.